The following is an entry in ClinVar:

ClinVar aggregate classification (germline): Uncertain significance (0 of 4 stars; one submission).

Conditions:
VPS13B-related disorder. Also called: VPS13B-related condition.

gnomAD v4.1: 6 of 1,613,862 alleles (0.00037%); highest among the groups gnomAD compares: Non-Finnish European, 0.00051%; no homozygotes.

Submission:

PreventionGenetics, part of Exact Sciences
Classification: Uncertain significance for VPS13B-related condition. Last evaluated: 2024-05-08. Review status: no assertion criteria provided. Collection method: clinical testing. Allele origin: germline.
Comment: The VPS13B c.3344T>G variant is predicted to result in the amino acid substitution p.Val1115Gly. To our knowledge, this variant has not been reported in the literature or in a large population database, indicating this variant is rare. At this time, the clinical significance of this variant is uncertain due to the absence of conclusive functional and genetic evidence.

NM_152564.5(VPS13B):c.3344T>G (p.Val1115Gly)

Gene: VPS13B (vacuolar protein sorting 13 homolog B; plus strand). Cytogenetic location: 8q22.2.
Variant type: single nucleotide variant.
Coding change: c.3344T>G on transcript NM_152564.5 (MANE Select); coding-DNA position 3344, T replaced by G.
Protein change: p.Val1115Gly; replaces valine 1115 with glycine.
Molecular consequence: missense variant.
Genome position (GRCh38, 1-based): chr8:99,442,534, T>G. VCF-style: chr8-99442534-T-G. GRCh37 (hg19) VCF-style: chr8-100454762-T-G.
Other names: c.3344T>G, p.Val1115Gly (NM_017890.5); short protein forms V1115G.
Identifiers: ClinVar variation 3356751 (VCV003356751.1).
Genomic context (GRCh38, chr8:99,442,534, plus strand): 5'-ACATTCCTGGAACAGTAAGAAGTTGGTACCATGGACAAACCAGCATGCCGGGAACACTTG[T>G]CCTCTGTTTGCCTCAAATAAAGATTATTAGTGCTGGGCACAAGTATATGGAACCTCTGCA-3'
Protein context (NP_689777.3, residues 1105-1125): HGQTSMPGTL[Val1115Gly]LCLPQIKIIS